The following is an entry in ClinVar:

NM_199420.4(POLQ):c.238G>T (p.Val80Phe)

Gene: POLQ (DNA polymerase theta; minus strand). Cytogenetic location: 3q13.33.
Variant type: single nucleotide variant.
Coding change: c.238G>T on transcript NM_199420.4 (MANE Select); coding-DNA position 238, G replaced by T.
Protein change: p.Val80Phe; replaces valine 80 with phenylalanine.
Molecular consequence: missense variant.
Genome position (GRCh38, 1-based): chr3:121,544,832, C>A on the plus strand (G>T on the coding strand, the complement: POLQ is on the minus strand). VCF-style: chr3-121544832-C-A. GRCh37 (hg19) VCF-style: chr3-121263679-C-A.
Other names: short protein forms V80F.
Identifiers: ClinVar variation 2449378 (VCV002449378.2), dbSNP rs2546827944, ClinGen allele CA354094684.
Genomic context (GRCh38, chr3:121,544,832, plus strand): 5'-GGCACTCTGCCTGCCATTCAAACATCTTTTTTACACCAAAACTGTGGTATTTTTCCAGAA[C>A]TGCTTTAGGAAGTCCCCAGTTTGCCAATAGTAGCTTGTCTCTTTCGTAGTCAGGAACTGT-3'
Protein context (NP_955452.3, residues 70-90): LLANWGLPKA[Val80Phe]LEKYHSFGVK

ClinVar aggregate classification (germline): Uncertain significance (1 of 4 stars; one submission).

Allele frequency attached by ClinVar (database versions not stated): gnomAD exomes below 0.00001.
gnomAD v4.1: 1 of 1,612,336 alleles (0.000062%); highest among the groups gnomAD compares: Non-Finnish European, 0.000085%; no homozygotes.

Submission:

Ambry Genetics
Classification: Uncertain significance. Last evaluated: 2023-01-29. Review status: criteria provided, single submitter. Criteria: Ambry Variant Classification Scheme 2023. Collection method: clinical testing. Allele origin: germline.
Comment: The p.V80F variant (also known as c.238G>T), located in coding exon 2 of the POLQ gene, results from a G to T substitution at nucleotide position 238. The valine at codon 80 is replaced by phenylalanine, an amino acid with highly similar properties. This amino acid position is conserved. In addition, this alteration is predicted to be tolerated by in silico analysis. Since supporting evidence is limited at this time, the clinical significance of this alteration remains unclear.